The following is an entry in ClinVar:

ClinVar aggregate classification (germline): Uncertain significance. Review status: criteria provided, multiple submitters, no conflicts (2 of 4 stars). 3 submissions from 3 submitters: Uncertain significance (3). Last evaluated 2025-12-08.

Conditions:
Familial thoracic aortic aneurysm and aortic dissection (TAAD). Also called: Thoracic aortic aneurysms and dissections. Identifiers: Orphanet 91387, MedGen C4707243, MONDO:0019625.

Allele frequency attached by ClinVar (database versions not stated): gnomAD exomes below 0.00001.
gnomAD v4.1: 6 of 1,614,050 alleles (0.00037%); highest among the groups gnomAD compares: Non-Finnish European, 0.00051%; no homozygotes.

Submissions (3):

Labcorp Genetics (formerly Invitae), Labcorp
Classification: Uncertain significance for Familial thoracic aortic aneurysm and aortic dissection. Last evaluated: 2025-12-08. Review status: criteria provided, single submitter. Criteria: Invitae Variant Classification Sherloc (09022015). Collection method: clinical testing. Allele origin: germline.
Comment: This sequence change replaces methionine, which is neutral and non-polar, with valine, which is neutral and non-polar, at codon 318 of the TGFBR1 protein (p.Met318Val). This variant is not present in population databases (gnomAD no frequency). This variant has not been reported in the literature in individuals affected with TGFBR1-related conditions. ClinVar contains an entry for this variant (Variation ID: 1329276). Invitae Evidence Modeling of protein sequence and biophysical properties (such as structural, functional, and spatial information, amino acid conservation, physicochemical variation, residue mobility, and thermodynamic stability) indicates that this missense variant is not expected to disrupt TGFBR1 protein function with a negative predictive value of 80%. This variant disrupts the p.Met318 amino acid residue in TGFBR1. Other variant(s) that disrupt this residue have been determined to be pathogenic (PMID: 15731757, 21267002, 22414221). This suggests that this residue is clinically significant, and that variants that disrupt this residue are likely to be disease-causing. In summary, the available evidence is currently insufficient to determine the role of this variant in disease. Therefore, it has been classified as a Variant of Uncertain Significance.

Ambry Genetics
Classification: Uncertain significance for Familial thoracic aortic aneurysm and aortic dissection. Last evaluated: 2020-12-23. Review status: criteria provided, single submitter. Criteria: Ambry Variant Classification Scheme 2023. Collection method: clinical testing. Allele origin: germline.
Comment: The p.M318V variant (also known as c.952A>G), located in coding exon 5 of the TGFBR1 gene, results from an A to G substitution at nucleotide position 952. The methionine at codon 318 is replaced by valine, an amino acid with highly similar properties. Another alteration at the same codon, p.M318R (c.953T>G), has been described in an individual with Loeys-Dietz syndrome (Loeys BL et al. Nat Genet, 2005 Mar;37:275-81). This amino acid position is highly conserved in available vertebrate species. In addition, the in silico prediction for this alteration is inconclusive. Since supporting evidence is limited at this time, the clinical significance of this alteration remains unclear.

CHEO Genetics Diagnostic Laboratory, Children's Hospital of Eastern Ontario
Classification: Uncertain significance for Familial thoracic aortic aneurysm and aortic dissection. Last evaluated: 2020-02-04. Review status: criteria provided, single submitter. Criteria: ACMG Guidelines, 2015. Collection method: clinical testing. Allele origin: germline.

Literature cited by the submitters: PubMed 15731757 (cited by Labcorp Genetics (formerly Invitae), Labcorp and Ambry Genetics); PubMed 21267002 (cited by Labcorp Genetics (formerly Invitae), Labcorp); PubMed 22414221 (cited by Labcorp Genetics (formerly Invitae), Labcorp).

NM_004612.4(TGFBR1):c.952A>G (p.Met318Val)

Gene: TGFBR1 (transforming growth factor beta receptor 1; plus strand). Cytogenetic location: 9q22.33.
Variant type: single nucleotide variant.
Coding change: c.952A>G on transcript NM_004612.4 (MANE Select); coding-DNA position 952, A replaced by G.
Protein change: p.Met318Val; replaces methionine 318 with valine.
Molecular consequence: missense variant.
Genome position (GRCh38, 1-based): chr9:99,142,682, A>G. VCF-style: chr9-99142682-A-G. GRCh37 (hg19) VCF-style: chr9-101904964-A-G.
Other names: c.721A>G, p.Met241Val (NM_001130916.3); c.964A>G, p.Met322Val (NM_001306210.2); short protein forms M241V, M318V, M322V.
Identifiers: ClinVar variation 1329276 (VCV001329276.7), dbSNP rs752190665, ClinGen allele CA374230799.